The following is an entry in ClinVar:

NM_004260.4(RECQL4):c.2283G>A (p.Met761Ile)

Gene: RECQL4 (RecQ like helicase 4; minus strand). Cytogenetic location: 8q24.3.
Variant type: single nucleotide variant.
Coding change: c.2283G>A on transcript NM_004260.4 (MANE Select); coding-DNA position 2283, G replaced by A.
Protein change: p.Met761Ile; replaces methionine 761 with isoleucine.
Molecular consequence: missense variant.
Genome position (GRCh38, 1-based): chr8:144,513,398, C>T on the plus strand (G>A on the coding strand, the complement: RECQL4 is on the minus strand). VCF-style: chr8-144513398-C-T. GRCh37 (hg19) VCF-style: chr8-145738782-C-T.
Other names: c.2283G>A (NM_004260.3); short protein forms M761I.
Identifiers: ClinVar variation 1002605 (VCV001002605.6), dbSNP rs1291088541, ClinGen allele CA372678425.

ClinVar aggregate classification (germline): Uncertain significance. Review status: criteria provided, multiple submitters, no conflicts (2 of 4 stars). 2 submissions from 2 submitters: Uncertain significance (2). Last evaluated 2025-05-27.

Conditions:
Baller-Gerold syndrome (BGS). Also called: CRANIOSYNOSTOSIS WITH RADIAL DEFECTS. Identifiers: Orphanet 1225, MedGen C0265308, MONDO:0009039, OMIM 218600.
Inborn genetic diseases. Identifiers: MedGen C0950123, MeSH D030342.

Allele frequency attached by ClinVar (database versions not stated): gnomAD exomes below 0.00001; TOPMed below 0.00001; gnomAD 0.00001.

Submissions (2):

Ambry Genetics
Classification: Uncertain significance for Inborn genetic diseases. Last evaluated: 2025-05-27. Review status: criteria provided, single submitter. Criteria: Ambry Variant Classification Scheme 2023. Collection method: clinical testing. Allele origin: germline.
Comment: The p.M761I variant (also known as c.2283G>A), located in coding exon 14 of the RECQL4 gene, results from a G to A substitution at nucleotide position 2283. The methionine at codon 761 is replaced by isoleucine, an amino acid with highly similar properties. This amino acid position is conserved. In addition, the in silico prediction for this alteration is inconclusive. Based on the available evidence, the clinical significance of this variant remains unclear.

Labcorp Genetics (formerly Invitae), Labcorp
Classification: Uncertain significance for Baller-Gerold syndrome. Last evaluated: 2021-11-12. Review status: criteria provided, single submitter. Criteria: Invitae Variant Classification Sherloc (09022015). Collection method: clinical testing. Allele origin: germline.
Comment: ClinVar contains an entry for this variant (Variation ID: 1002605). In summary, the available evidence is currently insufficient to determine the role of this variant in disease. Therefore, it has been classified as a Variant of Uncertain Significance. Experimental studies and prediction algorithms are not available or were not evaluated, and the functional significance of this variant is currently unknown. This variant has not been reported in the literature in individuals affected with RECQL4-related conditions. This variant is not present in population databases (gnomAD no frequency). This sequence change replaces methionine, which is neutral and non-polar, with isoleucine, which is neutral and non-polar, at codon 761 of the RECQL4 protein (p.Met761Ile).